The following is an entry in ClinVar:

NM_015559.3(SETBP1):c.4058G>C (p.Gly1353Ala)

Gene: SETBP1 (SET binding protein 1; plus strand). Cytogenetic location: 18q12.3.
Variant type: single nucleotide variant.
Coding change: c.4058G>C on transcript NM_015559.3 (MANE Select); coding-DNA position 4058, G replaced by C.
Protein change: p.Gly1353Ala; replaces glycine 1353 with alanine.
Molecular consequence: missense variant.
Genome position (GRCh38, 1-based): chr18:45,038,542, G>C. VCF-style: chr18-45038542-G-C. GRCh37 (hg19) VCF-style: chr18-42618507-G-C.
Other names: c.4058G>C, p.Gly1353Ala (NM_001379141.1, NM_001379142.1); short protein forms G1353A.
Identifiers: ClinVar variation 2072454 (VCV002072454.4), dbSNP rs1486460574, ClinGen allele CA402482430.
Genomic context (GRCh38, chr18:45,038,542, plus strand): 5'-TAGGGATGCCAAGTCCCCACTTAAAAGTGGACCAGACAGCAGTGCATAGTAAGAACGAAG[G>C]CTCAGTGCCCACCATGATGACCAGGAAGAAGCCAGCCGCAGTTGACAGTGTTACAATTCC-3'
Protein context (NP_056374.2, residues 1343-1363): DQTAVHSKNE[Gly1353Ala]SVPTMMTRKK

ClinVar aggregate classification (germline): Uncertain significance (1 of 4 stars; one submission).

Submission:

Labcorp Genetics (formerly Invitae), Labcorp
Classification: Uncertain significance. Last evaluated: 2022-01-03. Review status: criteria provided, single submitter. Criteria: Invitae Variant Classification Sherloc (09022015). Collection method: clinical testing. Allele origin: germline.
Comment: In summary, the available evidence is currently insufficient to determine the role of this variant in disease. Therefore, it has been classified as a Variant of Uncertain Significance. Algorithms developed to predict the effect of missense changes on protein structure and function output the following: SIFT: "Tolerated"; PolyPhen-2: "Benign"; Align-GVGD: "Class C0". The alanine amino acid residue is found in multiple mammalian species, which suggests that this missense change does not adversely affect protein function. This variant has not been reported in the literature in individuals affected with SETBP1-related conditions. This variant is not present in population databases (gnomAD no frequency). This sequence change replaces glycine, which is neutral and non-polar, with alanine, which is neutral and non-polar, at codon 1353 of the SETBP1 protein (p.Gly1353Ala).